The following is an entry in ClinVar:

NM_007118.4(TRIO):c.2012A>T (p.Asp671Val)

Gene: TRIO (trio Rho guanine nucleotide exchange factor; plus strand). Cytogenetic location: 5p15.2.
Variant type: single nucleotide variant.
Coding change: c.2012A>T on transcript NM_007118.4 (MANE Select); coding-DNA position 2012, A replaced by T.
Protein change: p.Asp671Val; replaces aspartic acid 671 with valine.
Molecular consequence: missense variant. On other transcripts: non-coding transcript variant (1).
Genome position (GRCh38, 1-based): chr5:14,336,693, A>T. VCF-style: chr5-14336693-A-T. GRCh37 (hg19) VCF-style: chr5-14336802-A-T.
Other names: short protein forms D671V.
Identifiers: ClinVar variation 2662701 (VCV002662701.1), dbSNP rs770215880, ClinGen allele CA359194366.

ClinVar aggregate classification (germline): Uncertain significance (1 of 4 stars; one submission).

gnomAD v4.1: 2 of 1,614,222 alleles (0.00012%); highest among the groups gnomAD compares: Non-Finnish European, 0.000085%; no homozygotes.

Submission:

GeneDx
Classification: Uncertain significance. Last evaluated: 2023-04-17. Review status: criteria provided, single submitter. Criteria: GeneDx Variant Classification Process June 2021. Collection method: clinical testing. Allele origin: germline. Affected: yes.
Comment: Not observed at significant frequency in large population cohorts (gnomAD); In silico analysis supports that this missense variant has a deleterious effect on protein structure/function; Has not been previously published as pathogenic or benign to our knowledge